The following is an entry in ClinVar:

ClinVar aggregate classification (germline): Uncertain significance (1 of 4 stars; one submission).

Conditions:
Fanconi anemia complementation group O. Also called: RAD51C-Related Fanconi Anemia. Identifiers: Orphanet 84, MedGen C3150653, MONDO:0013248, OMIM 613390.

Submission:

Labcorp Genetics (formerly Invitae), Labcorp
Classification: Uncertain significance for Fanconi anemia complementation group O. Last evaluated: 2024-11-24. Review status: criteria provided, single submitter. Criteria: Invitae Variant Classification Sherloc (09022015). Collection method: clinical testing. Allele origin: germline.
Comment: This sequence change replaces proline, which is neutral and non-polar, with serine, which is neutral and polar, at codon 247 of the RAD51C protein (p.Pro247Ser). The frequency data for this variant in the population databases is considered unreliable, as metrics indicate poor data quality at this position in the gnomAD database. This variant has not been reported in the literature in individuals affected with RAD51C-related conditions. Invitae Evidence Modeling of protein sequence and biophysical properties (such as structural, functional, and spatial information, amino acid conservation, physicochemical variation, residue mobility, and thermodynamic stability) indicates that this missense variant is expected to disrupt RAD51C protein function with a positive predictive value of 80%. In summary, the available evidence is currently insufficient to determine the role of this variant in disease. Therefore, it has been classified as a Variant of Uncertain Significance.

NM_058216.3(RAD51C):c.739C>T (p.Pro247Ser)

Gene: RAD51C (RAD51 paralog C; plus strand). Cytogenetic location: 17q22.
Variant type: single nucleotide variant.
Coding change: c.739C>T on transcript NM_058216.3 (MANE Select); coding-DNA position 739, C replaced by T.
Protein change: p.Pro247Ser; replaces proline 247 with serine.
Molecular consequence: missense variant. On other transcripts: non-coding transcript variant (1).
Genome position (GRCh38, 1-based): chr17:58,709,892, C>T. VCF-style: chr17-58709892-C-T. GRCh37 (hg19) VCF-style: chr17-56787253-C-T.
Other names: short protein forms P247S.
Identifiers: ClinVar variation 3667070 (VCV003667070.2).
Genomic context (GRCh38, chr17:58,709,892, plus strand): 5'-ATCTAATATTATCTCTTCTGTATTTAGGTTCGACTAGTGATAGTGGATGGTATTGCTTTT[C>T]CATTTCGTCATGACCTAGATGACCTGTCTCTTCGTACTCGGTTATTAAATGGCCTAGCCC-3'
Protein context (NP_478123.1, residues 237-257): RLVIVDGIAF[Pro247Ser]FRHDLDDLSL